The following is an entry in ClinVar:

ClinVar aggregate classification (germline): Uncertain significance. Review status: criteria provided, single submitter (1 of 4 stars). 2 submissions from 2 submitters: Uncertain significance (1). 1 of the submissions does not count toward it. Last evaluated 2023-09-29.

Conditions:
KMT2A-related disorder. Also called: KMT2A-related condition.

Submissions (2):

Labcorp Genetics (formerly Invitae), Labcorp
Classification: Uncertain significance. Last evaluated: 2023-09-29. Review status: criteria provided, single submitter. Criteria: Invitae Variant Classification Sherloc (09022015). Collection method: clinical testing. Allele origin: germline.
Comment: In summary, the available evidence is currently insufficient to determine the role of this variant in disease. Therefore, it has been classified as a Variant of Uncertain Significance. Advanced modeling of protein sequence and biophysical properties (such as structural, functional, and spatial information, amino acid conservation, physicochemical variation, residue mobility, and thermodynamic stability) performed at Invitae indicates that this missense variant is not expected to disrupt KMT2A protein function. This variant has not been reported in the literature in individuals affected with KMT2A-related conditions. This variant is not present in population databases (gnomAD no frequency). This sequence change replaces glutamic acid, which is acidic and polar, with glycine, which is neutral and non-polar, at codon 3735 of the KMT2A protein (p.Glu3735Gly).

PreventionGenetics, part of Exact Sciences
Classification: Uncertain significance for KMT2A-related condition. Last evaluated: 2024-06-18. Review status: no assertion criteria provided. Collection method: clinical testing. Allele origin: germline. Not counted in ClinVar's aggregate classification.
Comment: The KMT2A c.11204A>G variant is predicted to result in the amino acid substitution p.Glu3735Gly. To our knowledge, this variant has not been reported in the literature or in a large population database, indicating this variant is rare. At this time, the clinical significance of this variant is uncertain due to the absence of conclusive functional and genetic evidence.

NM_001197104.2(KMT2A):c.11204A>G (p.Glu3735Gly)

Genes: KMT2A (lysine methyltransferase 2A; plus strand), TTC36-AS1 (TTC36 and KMT2A antisense RNA 1; minus strand). Cytogenetic location: 11q23.3.
Variant type: single nucleotide variant.
Coding change: c.11204A>G on transcript NM_001197104.2 (MANE Select); coding-DNA position 11204, A replaced by G.
Protein change: p.Glu3735Gly; replaces glutamic acid 3735 with glycine.
Molecular consequence: missense variant. On other transcripts: non-coding transcript variant (4).
Genome position (GRCh38, 1-based): chr11:118,519,675, A>G. VCF-style: chr11-118519675-A-G. GRCh37 (hg19) VCF-style: chr11-118390390-A-G.
Other names: c.11294A>G, p.Glu3765Gly (NM_001412597.1); c.11195A>G, p.Glu3732Gly (NM_005933.4); short protein forms E3765G, E3732G, E3735G.
Identifiers: ClinVar variation 2695601 (VCV002695601.4), dbSNP rs2135282390, ClinGen allele CA382832429.